The following is an entry in ClinVar:

NM_000052.7(ATP7A):c.1242T>G (p.Asn414Lys)

Gene: ATP7A (ATPase copper transporting alpha; plus strand). Cytogenetic location: Xq21.1.
Variant type: single nucleotide variant.
Coding change: c.1242T>G on transcript NM_000052.7 (MANE Select); coding-DNA position 1242, T replaced by G.
Protein change: p.Asn414Lys; replaces asparagine 414 with lysine.
Molecular consequence: missense variant.
Genome position (GRCh38, 1-based): chrX:77,989,864, T>G. VCF-style: chrX-77989864-T-G. GRCh37 (hg19) VCF-style: chrX-77245360-T-G.
Other names: c.1242T>G, p.Asn414Lys (NM_001282224.2); short protein forms N414K.
Identifiers: ClinVar variation 1721938 (VCV001721938.6), dbSNP rs2522295187, ClinGen allele CA413602119.

ClinVar aggregate classification (germline): Uncertain significance (1 of 4 stars; one submission).

Conditions:
X-linked distal spinal muscular atrophy type 3. Also called: SPINAL MUSCULAR ATROPHY, DISTAL, X-LINKED RECESSIVE; NEURONOPATHY, DISTAL HEREDITARY MOTOR, X-LINKED; NEUROPATHY, DISTAL HEREDITARY MOTOR, X-LINKED; ATP7A-Related Distal Motor Neuropathy. Identifiers: Orphanet 139557, MedGen C1845359, MONDO:0010338, OMIM 300489.
Menkes kinky-hair syndrome (MNK). Also called: Copper transport disease; Classic Menkes Disease; Menkes Disease. Identifiers: Orphanet 565, MedGen C0022716, MONDO:0010651, OMIM 309400.
Cutis laxa, X-linked (OHS). Also called: EDS IX; Occipital horn syndrome. Identifiers: Orphanet 198, MedGen C0268353, MONDO:0010572, OMIM 304150.

Submission:

Labcorp Genetics (formerly Invitae), Labcorp
Classification: Uncertain significance for X-linked distal spinal muscular atrophy type 3; Cutis laxa, X-linked; Menkes kinky-hair syndrome. Last evaluated: 2022-11-10. Review status: criteria provided, single submitter. Criteria: Invitae Variant Classification Sherloc (09022015). Collection method: clinical testing. Allele origin: germline.
Comment: This sequence change replaces asparagine, which is neutral and polar, with lysine, which is basic and polar, at codon 414 of the ATP7A protein (p.Asn414Lys). This variant is not present in population databases (gnomAD no frequency). This variant has not been reported in the literature in individuals affected with ATP7A-related conditions. Advanced modeling of protein sequence and biophysical properties (such as structural, functional, and spatial information, amino acid conservation, physicochemical variation, residue mobility, and thermodynamic stability) performed at Invitae indicates that this missense variant is not expected to disrupt ATP7A protein function. In summary, the available evidence is currently insufficient to determine the role of this variant in disease. Therefore, it has been classified as a Variant of Uncertain Significance.